The following is an entry in ClinVar:

NM_001077446.4(TSEN34):c.*245A>C

Gene: TSEN34 (tRNA splicing endonuclease subunit 34; plus strand). Cytogenetic location: 19q13.42.
Variant type: single nucleotide variant.
Coding change: c.*245A>C on transcript NM_001077446.4 (MANE Select); 245 bases downstream of the stop codon, A replaced by C.
Molecular consequence: 3 prime UTR variant. On other transcripts: intron variant (1).
Genome position (GRCh38, 1-based): chr19:54,193,607, A>C. VCF-style: chr19-54193607-A-C. GRCh37 (hg19) VCF-style: chr19-54697462-A-C.
Other names: c.*245A>C (NM_001282332.2, NM_001386740.1, NM_024075.5); c.890-15A>C (NM_001282333.2).
Identifiers: ClinVar variation 330134 (VCV000330134.7), dbSNP rs4042, ClinGen allele CA309376898.

ClinVar aggregate classification (germline): Benign. Review status: criteria provided, multiple submitters, no conflicts (2 of 4 stars). 3 submissions from 3 submitters: Benign (3). Last evaluated 2018-06-26.

Conditions:
Pontoneocerebellar hypoplasia. Also called: Pontocerebellar hypoplasia; Non-syndromic pontocerebellar hypoplasia. Identifiers: Orphanet 98523, MedGen C1261175, MONDO:0020135.

Allele frequency attached by ClinVar (database versions not stated): ExAC 0.02247; TOPMed 0.04850; 1000 Genomes Project 0.05531; 1000 Genomes Project 30x 0.05778.
gnomAD v4.1: 25,289 of 1,369,720 alleles (1.8%); highest among the groups gnomAD compares: African/African-American, 11%; 724 homozygotes.

Submissions (3):

GeneDx
Classification: Benign. Last evaluated: 2018-06-26. Review status: criteria provided, single submitter. Criteria: GeneDx Variant Classification Process June 2021. Collection method: clinical testing. Allele origin: germline. Affected: yes.

Illumina Laboratory Services, Illumina
Classification: Benign for Pontoneocerebellar hypoplasia. Last evaluated: 2018-01-12. Review status: criteria provided, single submitter. Criteria: ICSL Variant Classification Criteria 13 December 2019. Collection method: clinical testing. Allele origin: germline.
Comment: This variant was observed in the ICSL laboratory as part of a predisposition screen in an ostensibly healthy population. It had not been previously curated by ICSL or reported in the Human Gene Mutation Database (HGMD: prior to June 1st, 2018), and was therefore a candidate for classification through an automated scoring system. Utilizing variant allele frequency, disease prevalence and penetrance estimates, and inheritance mode, an automated score was calculated to assess if this variant is too frequent to cause the disease. Based on the score and internal cut-off values, a variant classified as benign is not then subjected to further curation. The score for this variant resulted in a classification of benign for this disease.

Breakthrough Genomics
Classification: Benign. Review status: criteria provided, single submitter. Criteria: ACMG Guidelines, 2015. Collection method: not provided. Allele origin: germline. Inheritance: Autosomal recessive inheritance. Affected: yes.